The following is an entry in ClinVar:

ClinVar aggregate classification (germline): Uncertain significance (1 of 4 stars; one submission).

Conditions:
Cardiovascular phenotype. Identifiers: MedGen CN230736.

Allele frequency attached by ClinVar (database versions not stated): gnomAD 0.00001; TOPMed 0.00001; gnomAD exomes 0.00002 and 0.00003; ExAC 0.00003.
gnomAD v4.1: 10 of 1,612,122 alleles (0.00062%); highest among the groups gnomAD compares: Admixed American, 0.013%; no homozygotes.

Submission:

Ambry Genetics
Classification: Uncertain significance for Cardiovascular phenotype. Last evaluated: 2026-08-18. Review status: criteria provided, single submitter. Criteria: Ambry Variant Classification Scheme 2023. Collection method: clinical testing. Allele origin: germline.
Comment: The c.538-3T>C intronic variant results from a T to C substitution 3 nucleotides upstream from coding exon 6 in the APOB gene. This nucleotide position is poorly conserved in available vertebrate species. In silico splice site analysis predicts that this alteration will not have any significant effect on splicing. Based on the available evidence, the clinical significance of this variant remains unclear.

NM_000384.3(APOB):c.538-3T>C

Gene: APOB (apolipoprotein B; minus strand). Cytogenetic location: 2p24.1.
Variant type: single nucleotide variant.
Coding change: c.538-3T>C on transcript NM_000384.3 (MANE Select); 3 bases into the intron before coding-DNA position 538, T replaced by C.
Molecular consequence: intron variant.
Genome position (GRCh38, 1-based): chr2:21,037,258, A>G on the plus strand (T>C on the coding strand, the complement: APOB is on the minus strand). VCF-style: chr2-21037258-A-G. GRCh37 (hg19) VCF-style: chr2-21260130-A-G.
Identifiers: ClinVar variation 919764 (VCV000919764.5), dbSNP rs771285740, ClinGen allele CA062047.